The following is an entry in ClinVar:

ClinVar aggregate classification (germline): Uncertain significance (1 of 4 stars; one submission).

Conditions:
Rhabdoid tumor predisposition syndrome 2 (RTPS2). Identifiers: Orphanet 231108, Orphanet 69077, MedGen C2750074, MONDO:0013224, OMIM 613325.

Submission:

Labcorp Genetics (formerly Invitae), Labcorp
Classification: Uncertain significance for Rhabdoid tumor predisposition syndrome 2. Last evaluated: 2020-11-27. Review status: criteria provided, single submitter. Criteria: Invitae Variant Classification Sherloc (09022015). Collection method: clinical testing. Allele origin: germline.
Comment: In summary, the available evidence is currently insufficient to determine the role of this variant in disease. Therefore, it has been classified as a Variant of Uncertain Significance. Algorithms developed to predict the effect of missense changes on protein structure and function are either unavailable or do not agree on the potential impact of this missense change (SIFT: "Deleterious"; PolyPhen-2: "Possibly Damaging"; Align-GVGD: "Class C0"). This variant has not been reported in the literature in individuals with SMARCA4-related conditions. This variant is not present in population databases (ExAC no frequency). This sequence change replaces lysine with asparagine at codon 1334 of the SMARCA4 protein (p.Lys1334Asn). The lysine residue is highly conserved and there is a moderate physicochemical difference between lysine and asparagine.

NM_003072.5(SMARCA4):c.4002G>C (p.Lys1334Asn)

Gene: SMARCA4 (SWI/SNF related BAF chromatin remodeling complex subunit ATPase 4; plus strand). Cytogenetic location: 19p13.2.
Variant type: single nucleotide variant.
Coding change: c.4002G>C on transcript NM_003072.5 (MANE Select); coding-DNA position 4002, G replaced by C.
Protein change: p.Lys1334Asn; replaces lysine 1334 with asparagine.
Molecular consequence: missense variant. On other transcripts: non-coding transcript variant (1).
Genome position (GRCh38, 1-based): chr19:11,034,964, G>C. VCF-style: chr19-11034964-G-C. GRCh37 (hg19) VCF-style: chr19-11145640-G-C.
Other names: c.4002G>C, p.Lys1334Asn (NM_001128844.3, NM_001128849.3, NM_001387283.1); c.3903G>C, p.Lys1301Asn (NM_001128845.2, NM_001128846.2, NM_001128847.4 and 2 more transcripts); short protein forms K1334N, K1301N.
Identifiers: ClinVar variation 1352124 (VCV001352124.8), dbSNP rs2146697899, ClinGen allele CA404068089.